The following is an entry in ClinVar:

ClinVar aggregate classification (germline): Uncertain significance (1 of 4 stars; one submission).

Submission:

Labcorp Genetics (formerly Invitae), Labcorp
Classification: Uncertain significance. Last evaluated: 2024-01-22. Review status: criteria provided, single submitter. Criteria: Invitae Variant Classification Sherloc (09022015). Collection method: clinical testing. Allele origin: germline.
Comment: This sequence change replaces glycine, which is neutral and non-polar, with tryptophan, which is neutral and slightly polar, at codon 109 of the GJB2 protein (p.Gly109Trp). This variant is not present in population databases (gnomAD no frequency). This variant has not been reported in the literature in individuals affected with GJB2-related conditions. Advanced modeling of protein sequence and biophysical properties (such as structural, functional, and spatial information, amino acid conservation, physicochemical variation, residue mobility, and thermodynamic stability) has been performed at Invitae for this missense variant, however the output from this modeling did not meet the statistical confidence thresholds required to predict the impact of this variant on GJB2 protein function. In summary, the available evidence is currently insufficient to determine the role of this variant in disease. Therefore, it has been classified as a Variant of Uncertain Significance.

NM_004004.6(GJB2):c.325G>T (p.Gly109Trp)

Gene: GJB2 (gap junction protein beta 2; minus strand). Cytogenetic location: 13q12.11.
Variant type: single nucleotide variant.
Coding change: c.325G>T on transcript NM_004004.6 (MANE Select); coding-DNA position 325, G replaced by T.
Protein change: p.Gly109Trp; replaces glycine 109 with tryptophan.
Molecular consequence: missense variant.
Genome position (GRCh38, 1-based): chr13:20,189,257, C>A on the plus strand (G>T on the coding strand, the complement: GJB2 is on the minus strand). VCF-style: chr13-20189257-C-A. GRCh37 (hg19) VCF-style: chr13-20763396-C-A.
Other names: short protein forms G109W.
Identifiers: ClinVar variation 3614188 (VCV003614188.2).